The following is an entry in ClinVar:

ClinVar aggregate classification (germline): Likely pathogenic (1 of 4 stars; one submission).

Conditions:
Neurodegeneration with brain iron accumulation (NBIA). Identifiers: Orphanet 385, MedGen C2931845, MONDO:0018307.

Allele frequency attached by ClinVar (database versions not stated): gnomAD exomes below 0.00001.

Submission:

Women's Health and Genetics/Laboratory Corporation of America, LabCorp
Classification: Likely pathogenic for Neurodegeneration with brain iron accumulation. Last evaluated: 2022-06-23. Review status: criteria provided, single submitter. Criteria: LabCorp Variant Classification Summary - May 2015. Collection method: clinical testing. Allele origin: germline.
Comment: Variant summary: COASY c.492delG (p.Glu164AspfsX63) results in a premature termination codon, predicted to cause a truncation of the encoded protein or absence of the protein due to nonsense mediated decay, which are commonly known mechanisms for disease. Truncation variants in COASY have been reported in HGMD and ClinVar. The variant was absent in 251212 control chromosomes (gnomAD). To our knowledge, no occurrence of c.492delG in individuals affected with Neurodegeneration With Brain Iron Accumulation and no experimental evidence demonstrating its impact on protein function have been reported. No clinical diagnostic laboratories have submitted clinical-significance assessments for this variant to ClinVar after 2014. Based on the evidence outlined above, the variant was classified as likely pathogenic.

NM_025233.7(COASY):c.492del (p.Glu164fs)

Gene: COASY (Coenzyme A synthase; plus strand). Cytogenetic location: 17q21.2.
Variant type: Deletion.
Coding change: c.492del on transcript NM_025233.7 (MANE Select); coding-DNA position 492, one base deleted (G; older notation c.492delG).
Protein change: p.Glu164fs; shifts the reading frame from glutamic acid 164.
Molecular consequence: frameshift variant.
Genome position (GRCh38, 1-based): chr17:42,563,114, G deleted. VCF-style (leftmost placement, unchanged base first): chr17-42563113-AG-A. GRCh37 (hg19) VCF-style: chr17-40715131-AG-A.
Other names: c.492del, p.Glu164fs (NM_001042529.3); c.579del, p.Glu193fs (NM_001042532.4); short protein forms E164fs, E193fs.
Identifiers: ClinVar variation 1698628 (VCV001698628.1), dbSNP rs2143196984, ClinGen allele CA2580093736.